The following is an entry in ClinVar:

ClinVar aggregate classification (germline): Likely pathogenic (1 of 4 stars; one submission).

Submission:

Genetics Laboratory, UDIAT-Centre Diagnòstic, Hospital Universitari Parc Tauli
Classification: Likely pathogenic. Last evaluated: 2021-04-26. Review status: criteria provided, single submitter. Criteria: Parc Tauli Hospital Assertion Criteria 2021. Collection method: clinical testing. Allele origin: de novo. Inheritance: Autosomal dominant inheritance. Affected: yes. Observed: 1 heterozygote.
Comment: PVS1_strong;PM2_supporting;PM6_moderate;PP3_supporting

NM_017635.5(KMT5B):c.1175-6_1183del

Gene: KMT5B (lysine methyltransferase 5B; minus strand). Cytogenetic location: 11q13.2.
Variant type: Deletion.
Coding change: c.1175-6_1183del on transcript NM_017635.5 (MANE Select); 6 bases into the intron before coding-DNA position 1175 through coding-DNA position 1183, 15 bases deleted (TTACAGCTTCTAACC).
Molecular consequence: splice acceptor variant.
Genome position (GRCh38, 1-based): chr11:68,159,163-68,159,177, GGTTAGAAGCTGTAA deleted on the plus strand (TTACAGCTTCTAACC on the coding strand, the reverse complement: KMT5B is on the minus strand); deleting any 15 consecutive bases within chr11:68,159,163-68,159,182 gives the same sequence; the c. name uses the placement nearest the transcript's 3' end. VCF-style (leftmost placement, unchanged base first): chr11-68159162-CGGTTAGAAGCTGTAA-C. GRCh37 (hg19) VCF-style: chr11-67926629-CGGTTAGAAGCTGTAA-C.
Other names: c.659-6_667del (NM_001369430.1, NM_001369432.1, NM_001369428.1 and 4 more transcripts); c.455-6_463del (NM_001300908.2); c.1175-6_1183del (NM_001369426.1).
Identifiers: ClinVar variation 1098367 (VCV001098367.2), dbSNP rs2153041094, ClinGen allele CA2499221257.
Genomic context (GRCh38, chr11:68,159,162, plus strand): 5'-ATAGATTGCCTCGTTAACGTTCTGCTCTTGCTATTCTTTTTTACGCCAACTGAAGATTTT[CGGTTAGAAGCTGTAA>C]GGTTAAAGAGAAAAAGGTGAAAAGCCTTGGTAACAGCAGAGTTCAAGAAAAGAATGCCCA-3'